The following is an entry in ClinVar:

ClinVar aggregate classification (germline): Pathogenic (1 of 4 stars; one submission).

Conditions:
Tuberous sclerosis 1 (TSC1). Identifiers: Orphanet 805, MedGen C1854465, MONDO:0008612, OMIM 191100.

Submission:

Labcorp Genetics (formerly Invitae), Labcorp
Classification: Pathogenic for Tuberous sclerosis 1. Last evaluated: 2019-06-28. Review status: criteria provided, single submitter. Criteria: Invitae Variant Classification Sherloc (09022015). Collection method: clinical testing. Allele origin: germline.
Comment: Algorithms developed to predict the effect of sequence changes on RNA splicing suggest that this variant may create or strengthen a splice site, but this prediction has not been confirmed by published transcriptional studies. For these reasons, this variant has been classified as Pathogenic. Loss-of-function variants in TSC1 are known to be pathogenic (PMID: 10227394, 17304050). This variant has not been reported in the literature in individuals with TSC1-related conditions. This variant is not present in population databases (ExAC no frequency). This sequence change creates a premature translational stop signal (p.Glu647*) in the TSC1 gene. It is expected to result in an absent or disrupted protein product.

Literature cited by the submitters: PubMed 10227394; PubMed 17304050.

NM_000368.5(TSC1):c.1939G>T (p.Glu647Ter)

Gene: TSC1 (TSC complex subunit 1; minus strand). Cytogenetic location: 9q34.13.
Variant type: single nucleotide variant.
Coding change: c.1939G>T on transcript NM_000368.5 (MANE Select); coding-DNA position 1939, G replaced by T.
Protein change: p.Glu647Ter; replaces glutamic acid 647 with a stop codon.
Molecular consequence: nonsense.
Genome position (GRCh38, 1-based): chr9:132,905,639, C>A on the plus strand (G>T on the coding strand, the complement: TSC1 is on the minus strand). VCF-style: chr9-132905639-C-A. GRCh37 (hg19) VCF-style: chr9-135781026-C-A.
Other names: c.1936G>T, p.Glu646Ter (NM_001162426.2); c.1786G>T, p.Glu596Ter (NM_001162427.2); c.1576G>T, p.Glu526Ter (NM_001362177.2); short protein forms E646*, E647*, E526*, E596*.
Identifiers: ClinVar variation 941389 (VCV000941389.7), dbSNP rs1171512070, ClinGen allele CA375362535.